The following is an entry in ClinVar:

ClinVar aggregate classification (germline): Pathogenic/Likely pathogenic. Review status: criteria provided, multiple submitters, no conflicts (2 of 4 stars). 5 submissions from 5 submitters: Pathogenic (2); Likely pathogenic (2). 1 of the submissions does not count toward it. Last evaluated 2023-11-16.

Conditions:
Cystic fibrosis (CF). Also called: MUCOVISCIDOSIS. Identifiers: Orphanet 586, MedGen C0010674, MONDO:0009061, OMIM 219700. Disease mechanism: loss of function.
Bronchiectasis with or without elevated sweat chloride 1 (BESC1). Also called: Cystic Fibrosis-Like Syndrome. Identifiers: Orphanet 60033, MedGen C2749757, MONDO:0008887, OMIM 211400.

Submissions (5):

Revvity Omics, Revvity
Classification: Likely pathogenic. Last evaluated: 2023-11-16. Review status: criteria provided, single submitter. Criteria: ACMG Guidelines, 2015. Collection method: clinical testing. Allele origin: germline.

Baylor Genetics
Classification: Likely pathogenic for Bronchiectasis with or without elevated sweat chloride 1. Last evaluated: 2023-07-06. Review status: criteria provided, single submitter. Criteria: ACMG Guidelines, 2015. Collection method: clinical testing. Allele origin: unknown.

Labcorp Genetics (formerly Invitae), Labcorp
Classification: Pathogenic for Cystic fibrosis. Last evaluated: 2020-01-10. Review status: criteria provided, single submitter. Criteria: Invitae Variant Classification Sherloc (09022015). Collection method: clinical testing. Allele origin: germline.
Comment: The frequency data for this variant in the population databases is considered unreliable, as metrics indicate poor data quality at this position in the ExAC database. For these reasons, this variant has been classified as Pathogenic. Loss-of-function variants in CFTR are known to be pathogenic (PMID: 1695717, 7691345, 9725922). This variant has not been reported in the literature in individuals with CFTR-related conditions. ClinVar contains an entry for this variant (Variation ID: 370490). This sequence change creates a premature translational stop signal (p.Ile1315Serfs*4) in the CFTR gene. It is expected to result in an absent or disrupted protein product.

Suma Genomics
Classification: Pathogenic for Cystic fibrosis. Review status: criteria provided, single submitter. Criteria: ACMG Guidelines, 2015. Collection method: clinical testing. Allele origin: inherited. Inheritance: Autosomal recessive inheritance. Affected: yes.

Counsyl
Classification: Likely pathogenic for Cystic fibrosis. Last evaluated: 2016-02-18. Review status: no assertion criteria provided. Collection method: clinical testing. Allele origin: unknown. Not counted in ClinVar's aggregate classification.

Literature cited by the submitters: PubMed 1695717 (cited by Labcorp Genetics (formerly Invitae), Labcorp); PubMed 7691345 (cited by Labcorp Genetics (formerly Invitae), Labcorp); PubMed 9725922 (cited by Labcorp Genetics (formerly Invitae), Labcorp).

NM_000492.4(CFTR):c.3944_3951del (p.Ile1315fs)

Gene: CFTR (CF transmembrane conductance regulator; plus strand). Cytogenetic location: 7q31.2.
Variant type: Deletion.
Coding change: c.3944_3951del on transcript NM_000492.4 (MANE Select); coding-DNA positions 3944 to 3951, 8 bases deleted (TATGGAAA; older notation c.3944_3951delTATGGAAA).
Protein change: p.Ile1315fs; shifts the reading frame from isoleucine 1315.
Molecular consequence: frameshift variant.
Genome position (GRCh38, 1-based): chr7:117,652,912-117,652,919, TATGGAAA deleted; deleting any 8 consecutive bases within chr7:117,652,908-117,652,919 gives the same sequence; the c. name uses the placement nearest the transcript's 3' end. VCF-style (leftmost placement, unchanged base first): chr7-117652907-AGAAATATG-A. GRCh37 (hg19) VCF-style: chr7-117292961-AGAAATATG-A.
Other names: c.3944_3951del8 (NM_000492.3); short protein forms I1315fs.
Identifiers: ClinVar variation 370490 (VCV000370490.16), dbSNP rs754392413, ClinGen allele CA4451587.